The following is an entry in ClinVar:

ClinVar aggregate classification (germline): Uncertain significance (1 of 4 stars; one submission).

Conditions:
Duchenne muscular dystrophy (DMD). Also called: Duchenne Muscular Dystrophy (DMD); MUSCULAR DYSTROPHY, PSEUDOHYPERTROPHIC PROGRESSIVE, DUCHENNE TYPE. Identifiers: Orphanet 98896, MedGen C0013264, MONDO:0010679, OMIM 310200.

Submission:

Labcorp Genetics (formerly Invitae), Labcorp
Classification: Uncertain significance for Duchenne muscular dystrophy. Last evaluated: 2021-05-17. Review status: criteria provided, single submitter. Criteria: Invitae Variant Classification Sherloc (09022015). Collection method: clinical testing. Allele origin: germline.
Comment: In summary, the available evidence is currently insufficient to determine the role of this variant in disease. Therefore, it has been classified as a Variant of Uncertain Significance. Algorithms developed to predict the effect of sequence changes on RNA splicing suggest that this variant may create or strengthen a splice site, but this prediction has not been confirmed by published transcriptional studies. Algorithms developed to predict the effect of missense changes on protein structure and function are either unavailable or do not agree on the potential impact of this missense change (SIFT: "Tolerated"; PolyPhen-2: "Possibly Damaging"; Align-GVGD: "Class C0"). This variant has not been reported in the literature in individuals with DMD-related conditions. This variant is not present in population databases (ExAC no frequency). This sequence change replaces leucine with glutamine at codon 3485 of the DMD protein (p.Leu3485Gln). The leucine residue is highly conserved and there is a moderate physicochemical difference between leucine and glutamine.

NM_004006.3(DMD):c.10454T>A (p.Leu3485Gln)

Gene: DMD (dystrophin; minus strand). Cytogenetic location: Xp21.2.
Variant type: single nucleotide variant.
Coding change: c.10454T>A on transcript NM_004006.3 (MANE Select); coding-DNA position 10454, T replaced by A.
Protein change: p.Leu3485Gln; replaces leucine 3485 with glutamine.
Molecular consequence: missense variant. On other transcripts: intron variant (2).
Genome position (GRCh38, 1-based): chrX:31,169,542, A>T on the plus strand (T>A on the coding strand, the complement: DMD is on the minus strand). VCF-style: chrX-31169542-A-T. GRCh37 (hg19) VCF-style: chrX-31187659-A-T.
Other names: c.10430T>A, p.Leu3477Gln (NM_000109.4); c.10442T>A, p.Leu3481Gln (NM_004009.3); c.10085T>A, p.Leu3362Gln (NM_004010.3); c.6431T>A, p.Leu2144Gln (NM_004011.4); c.6422T>A, p.Leu2141Gln (NM_004012.4); c.3074T>A, p.Leu1025Gln (NM_004013.3, NM_004021.3); c.2267T>A, p.Leu756Gln (NM_004014.3); c.1250T>A, p.Leu417Gln (NM_004015.3, NM_004016.3); and 3 more; short protein forms L3477Q, L3481Q, L417Q, L1012Q, L1025Q, L2144Q, L3485Q, L404Q.
Identifiers: ClinVar variation 1506265 (VCV001506265.8), dbSNP rs2148184033, ClinGen allele CA412651941.